The following is an entry in ClinVar:

NM_001999.4(FBN2):c.1007A>G (p.Asn336Ser)

Gene: FBN2 (fibrillin 2; minus strand). Cytogenetic location: 5q23.3.
Variant type: single nucleotide variant.
Coding change: c.1007A>G on transcript NM_001999.4 (MANE Select); coding-DNA position 1007, A replaced by G.
Protein change: p.Asn336Ser; replaces asparagine 336 with serine.
Molecular consequence: missense variant.
Genome position (GRCh38, 1-based): chr5:128,408,745, T>C on the plus strand (A>G on the coding strand, the complement: FBN2 is on the minus strand). VCF-style: chr5-128408745-T-C. GRCh37 (hg19) VCF-style: chr5-127744438-T-C.
Other names: short protein forms N336S.
Identifiers: ClinVar variation 907176 (VCV000907176.14), dbSNP rs1752993803, ClinGen allele CA360753461.

ClinVar aggregate classification (germline): Uncertain significance. Review status: criteria provided, multiple submitters, no conflicts (2 of 4 stars). 2 submissions from 2 submitters: Uncertain significance (2). Last evaluated 2021-04-27.

Conditions:
Congenital contractural arachnodactyly (CCA). Also called: BEALS SYNDROME; Beals-Hecht syndrome; Arthrogryposis, distal, type 9. Identifiers: Orphanet 115, MedGen C0220668, MONDO:0007363, OMIM 121050.

Allele frequency attached by ClinVar (database versions not stated): gnomAD exomes below 0.00001.
gnomAD v4.1: 1 of 1,614,004 alleles (0.000062%); highest among the groups gnomAD compares: Non-Finnish European, 0.000085%; no homozygotes.

Submissions (2):

Labcorp Genetics (formerly Invitae), Labcorp
Classification: Uncertain significance for Congenital contractural arachnodactyly. Last evaluated: 2021-04-27. Review status: criteria provided, single submitter. Criteria: Invitae Variant Classification Sherloc (09022015). Collection method: clinical testing. Allele origin: germline.
Comment: In summary, the available evidence is currently insufficient to determine the role of this variant in disease. Therefore, it has been classified as a Variant of Uncertain Significance. Algorithms developed to predict the effect of sequence changes on RNA splicing suggest that this variant may create or strengthen a splice site, but this prediction has not been confirmed by published transcriptional studies. Advanced modeling of protein sequence and biophysical properties (such as structural, functional, and spatial information, amino acid conservation, physicochemical variation, residue mobility, and thermodynamic stability) performed at Invitae indicates that this missense variant is expected to disrupt FBN2 protein function. This variant has not been reported in the literature in individuals with FBN2-related conditions. ClinVar contains an entry for this variant (Variation ID: 907176). This variant is not present in population databases (ExAC no frequency). This sequence change replaces asparagine with serine at codon 336 of the FBN2 protein (p.Asn336Ser). The asparagine residue is highly conserved and there is a small physicochemical difference between asparagine and serine.

Illumina Laboratory Services, Illumina
Classification: Uncertain significance for Congenital contractural arachnodactyly. Last evaluated: 2018-01-13. Review status: criteria provided, single submitter. Criteria: ICSL Variant Classification Criteria 13 December 2019. Collection method: clinical testing. Allele origin: germline.